The following is an entry in ClinVar:

ClinVar aggregate classification (germline): Conflicting classifications of pathogenicity. Review status: criteria provided, conflicting classifications (1 of 4 stars). 2 submissions from 2 submitters: Likely pathogenic (1); Uncertain significance (1). Last evaluated 2024-02-12.

Submissions (2):

Mayo Clinic Laboratories, Mayo Clinic
Classification: Likely pathogenic. Last evaluated: 2024-02-12. Review status: criteria provided, single submitter. Criteria: ACMG Guidelines, 2015. Collection method: clinical testing. Allele origin: germline. Observed: 1 variant allele.
Comment: PM2_moderate, PVS1

Blueprint Genetics
Classification: Uncertain significance. Last evaluated: 2021-04-13. Review status: criteria provided, single submitter. Criteria: ACMG Guidelines, 2015. Collection method: clinical testing. Allele origin: germline.

NM_030773.4(TUBB1):c.838C>T (p.Gln280Ter)

Gene: TUBB1 (tubulin beta 1 class VI; plus strand). Cytogenetic location: 20q13.32.
Variant type: single nucleotide variant.
Coding change: c.838C>T on transcript NM_030773.4 (MANE Select); coding-DNA position 838, C replaced by T.
Protein change: p.Gln280Ter; replaces glutamine 280 with a stop codon.
Molecular consequence: nonsense.
Genome position (GRCh38, 1-based): chr20:59,024,265, C>T. VCF-style: chr20-59024265-C-T. GRCh37 (hg19) VCF-style: chr20-57599320-C-T.
Other names: p.Gln280*; short protein forms Q280*.
Identifiers: ClinVar variation 3380916 (VCV003380916.2).